The following is an entry in ClinVar:

ClinVar aggregate classification (germline): Uncertain significance (1 of 4 stars; one submission).

Conditions:
Ataxia - oculomotor apraxia type 4. Identifiers: Orphanet 459033, MedGen C4225397, MONDO:0014557, OMIM 616267.
Microcephaly, seizures, and developmental delay. Identifiers: Orphanet 1934, MedGen C3150667, MONDO:0013254, OMIM 613402.
Charcot-Marie-Tooth disease type 2B2 (CMT2B2). Also called: CHARCOT-MARIE-TOOTH DISEASE, NEURONAL, TYPE 2B2; CHARCOT-MARIE-TOOTH DISEASE, AXONAL, TYPE 2B2; Charcot-Marie-Tooth Neuropathy Type 2B2; CHARCOT-MARIE-TOOTH DISEASE, AXONAL, AUTOSOMAL RECESSIVE, TYPE 2B2. Identifiers: Orphanet 101101, MedGen C1854150, MONDO:0011570, OMIM 605589.

Submission:

Juno Genomics, Hangzhou Juno Genomics, Inc
Classification: Uncertain significance for Charcot-Marie-Tooth disease type 2B2; Ataxia - oculomotor apraxia type 4; Microcephaly, seizures, and developmental delay. Review status: criteria provided, single submitter. Criteria: ACMG Guidelines, 2015. Collection method: clinical testing. Allele origin: germline.
Comment: Absent from controls (or at extremely low frequency if recessive) in Genome Aggregation Database.;Protein length changes due to in-frame deletions/insertions in a non-repeat region or stop-loss variants.

NM_007254.4(PNKP):c.1287_1295dup (p.Ala432_Arg433insSerArgAla)

Gene: PNKP (polynucleotide kinase 3'-phosphatase; minus strand). Cytogenetic location: 19q13.33.
Variant type: Duplication.
Coding change: c.1287_1295dup on transcript NM_007254.4 (MANE Select); coding-DNA positions 1287 to 1295, 9 bases duplicated (GAGCCGCGC; older notation c.1287_1295dupGAGCCGCGC).
Protein change: p.Ala432_Arg433insSerArgAla.
Molecular consequence: inframe insertion.
Genome position (GRCh38, 1-based): chr19:49,861,775-49,861,783, GCGCGGCTC duplicated on the plus strand (GAGCCGCGC on the coding strand, the reverse complement: PNKP is on the minus strand); duplicating any 9 consecutive bases within chr19:49,861,775-49,861,786 gives the same sequence; the c. name uses the placement nearest the transcript's 3' end. VCF-style (leftmost placement, unchanged base first): chr19-49861774-G-GGCGCGGCTC. GRCh37 (hg19) VCF-style: chr19-50365031-G-GGCGCGGCTC.
Identifiers: ClinVar variation 5006023 (VCV005006023.2).